The following is an entry in ClinVar:

NM_003073.5(SMARCB1):c.372G>T (p.Lys124Asn)

Gene: SMARCB1 (SWI/SNF related BAF chromatin remodeling complex subunit B1; plus strand). Cytogenetic location: 22q11.23.
Variant type: single nucleotide variant.
Coding change: c.372G>T on transcript NM_003073.5 (MANE Select); coding-DNA position 372, G replaced by T.
Protein change: p.Lys124Asn; replaces lysine 124 with asparagine.
Molecular consequence: missense variant.
Genome position (GRCh38, 1-based): chr22:23,800,953, G>T. VCF-style: chr22-23800953-G-T. GRCh37 (hg19) VCF-style: chr22-24143140-G-T.
Other names: c.345G>T, p.Lys115Asn (NM_001007468.3, NM_001317946.2); c.372G>T, p.Lys124Asn (NM_001362877.2); short protein forms K115N, K124N.
Identifiers: ClinVar variation 4843401 (VCV004843401.1).
Genomic context (GRCh38, chr22:23,800,953, plus strand): 5'-CAGGATCAGGCTCCTATACTGACTGGGAGGACTTTTCTTGTATCTCCTCAGGGAACAGAA[G>T]GCCAAGAGGAACAGCCAGTGGGTACCCACCCTGCCCAACAGCTCCCACCACTTAGATGCC-3'
Protein context (NP_003064.2, residues 114-134): TEPPTYLREQ[Lys124Asn]AKRNSQWVPT

ClinVar aggregate classification (germline): Uncertain significance (1 of 4 stars; one submission).

Conditions:
Hereditary cancer-predisposing syndrome. Also called: Neoplastic Syndromes, Hereditary; Tumor predisposition; Hereditary Cancer Syndrome; Hereditary neoplastic syndrome. Identifiers: Orphanet 140162, MedGen C0027672, MeSH D009386, MONDO:0015356.

Submission:

Ambry Genetics
Classification: Uncertain significance for Hereditary cancer-predisposing syndrome. Last evaluated: 2025-12-15. Review status: criteria provided, single submitter. Criteria: Ambry Variant Classification Scheme 2023. Collection method: clinical testing. Allele origin: germline.
Comment: The p.K124N variant (also known as c.372G>T), located in coding exon 4 of the SMARCB1 gene, results from a G to T substitution at nucleotide position 372. The lysine at codon 124 is replaced by asparagine, an amino acid with similar properties. This amino acid position is conserved. In addition, the in silico prediction for this alteration is inconclusive. Based on the available evidence, the clinical significance of this variant remains unclear.